The following is an entry in ClinVar:

NM_152393.4(KLHL40):c.205_214del (p.Ala69fs)

Gene: KLHL40 (kelch like family member 40; plus strand). Cytogenetic location: 3p22.1.
Variant type: Deletion.
Coding change: c.205_214del on transcript NM_152393.4 (MANE Select); coding-DNA positions 205 to 214, 10 bases deleted (GCGGGCGAGC; older notation c.205_214delGCGGGCGAGC).
Protein change: p.Ala69fs; shifts the reading frame from alanine 69.
Molecular consequence: frameshift variant.
Genome position (GRCh38, 1-based): chr3:42,685,823-42,685,832, GCGGGCGAGC deleted; deleting any 10 consecutive bases within chr3:42,685,821-42,685,832 gives the same sequence; the c. name uses the placement nearest the transcript's 3' end. VCF-style (leftmost placement, unchanged base first): chr3-42685820-CGCGCGGGCGA-C. GRCh37 (hg19) VCF-style: chr3-42727312-CGCGCGGGCGA-C.
Other names: short protein forms A69fs.
Identifiers: ClinVar variation 1458028 (VCV001458028.6), dbSNP rs2125844554, ClinGen allele CA2573136962.

ClinVar aggregate classification (germline): Pathogenic (1 of 4 stars; one submission).

Conditions:
Nemaline myopathy 8 (NEM8). Also called: Nemaline myopathy 8, autosomal recessive. Identifiers: Orphanet 171430, MedGen C3809209, MONDO:0014138, OMIM 615348.

Submission:

Labcorp Genetics (formerly Invitae), Labcorp
Classification: Pathogenic for Nemaline myopathy 8. Last evaluated: 2021-04-27. Review status: criteria provided, single submitter. Criteria: Invitae Variant Classification Sherloc (09022015). Collection method: clinical testing. Allele origin: germline.
Comment: This variant has not been reported in the literature in individuals with KLHL40-related conditions. For these reasons, this variant has been classified as Pathogenic. This sequence change creates a premature translational stop signal (p.Ala69Cysfs*127) in the KLHL40 gene. It is expected to result in an absent or disrupted protein product. Loss-of-function variants in KLHL40 are known to be pathogenic (PMID: 23746549). This variant is not present in population databases (ExAC no frequency).

Literature cited by the submitters: PubMed 23746549.